The following is an entry in ClinVar:

ClinVar aggregate classification (germline): Likely benign. Review status: criteria provided, single submitter (1 of 4 stars). 2 submissions from 2 submitters: Likely benign (1). 1 of the submissions does not count toward it. Last evaluated 2022-07-11.

Conditions:
SAG-related disorder. Also called: SAG-related condition; SAG-related disorders.

Allele frequency attached by ClinVar (database versions not stated): gnomAD 0.00001.

Submissions (2):

Labcorp Genetics (formerly Invitae), Labcorp
Classification: Likely benign. Last evaluated: 2022-07-11. Review status: criteria provided, single submitter. Criteria: Invitae Variant Classification Sherloc (09022015). Collection method: clinical testing. Allele origin: germline.

PreventionGenetics, part of Exact Sciences
Classification: Likely benign for SAG-related condition. Last evaluated: 2023-06-16. Review status: no assertion criteria provided. Collection method: clinical testing. Allele origin: germline. Not counted in ClinVar's aggregate classification.
Comment: This variant is classified as likely benign based on ACMG/AMP sequence variant interpretation guidelines (Richards et al. 2015 PMID: 25741868, with internal and published modifications).

NM_000541.5(SAG):c.1047-10T>C

Gene: SAG (S-antigen visual arrestin; plus strand). Cytogenetic location: 2q37.1.
Variant type: single nucleotide variant.
Coding change: c.1047-10T>C on transcript NM_000541.5 (MANE Select); 10 bases into the intron before coding-DNA position 1047, T replaced by C.
Molecular consequence: intron variant.
Genome position (GRCh38, 1-based): chr2:233,342,261, T>C. VCF-style: chr2-233342261-T-C. GRCh37 (hg19) VCF-style: chr2-234250907-T-C.
Other names: c.1047-10T>C (NM_000541.4).
Identifiers: ClinVar variation 1107418 (VCV001107418.11), dbSNP rs1701128308, ClinGen allele CA1043520585.